The following is an entry in ClinVar:

ClinVar aggregate classification (germline): Uncertain significance. Review status: criteria provided, multiple submitters, no conflicts (2 of 4 stars). 2 submissions from 2 submitters: Uncertain significance (2). Last evaluated 2023-12-09.

Allele frequency attached by ClinVar (database versions not stated): ExAC 0.00003; gnomAD 0.00003; gnomAD exomes 0.00003; TOPMed 0.00011.
gnomAD v4.1: 42 of 1,613,916 alleles (0.0026%); highest among the groups gnomAD compares: Admixed American, 0.017%; no homozygotes.

Submissions (2):

Ambry Genetics
Classification: Uncertain significance. Last evaluated: 2023-12-09. Review status: criteria provided, single submitter. Criteria: Ambry Variant Classification Scheme 2023. Collection method: clinical testing. Allele origin: germline.

Labcorp Genetics (formerly Invitae), Labcorp
Classification: Uncertain significance. Last evaluated: 2023-12-07. Review status: criteria provided, single submitter. Criteria: Invitae Variant Classification Sherloc (09022015). Collection method: clinical testing. Allele origin: germline.
Comment: This sequence change replaces valine, which is neutral and non-polar, with isoleucine, which is neutral and non-polar, at codon 132 of the MRPL12 protein (p.Val132Ile). This variant is present in population databases (rs749094978, gnomAD 0.006%). This variant has not been reported in the literature in individuals affected with MRPL12-related conditions. ClinVar contains an entry for this variant (Variation ID: 1900908). An algorithm developed to predict the effect of missense changes on protein structure and function (PolyPhen-2) suggests that this variant is likely to be disruptive. In summary, the available evidence is currently insufficient to determine the role of this variant in disease. Therefore, it has been classified as a Variant of Uncertain Significance.

NM_002949.4(MRPL12):c.394G>A (p.Val132Ile)

Gene: MRPL12 (mitochondrial ribosomal protein L12; plus strand). Cytogenetic location: 17q25.3.
Variant type: single nucleotide variant.
Coding change: c.394G>A on transcript NM_002949.4 (MANE Select); coding-DNA position 394, G replaced by A.
Protein change: p.Val132Ile; replaces valine 132 with isoleucine.
Molecular consequence: missense variant.
Genome position (GRCh38, 1-based): chr17:81,706,954, G>A. VCF-style: chr17-81706954-G-A. GRCh37 (hg19) VCF-style: chr17-79673984-G-A.
Other names: c.394G>A (NM_002949.3); short protein forms V132I.
Identifiers: ClinVar variation 1900908 (VCV001900908.6), dbSNP rs749094978, ClinGen allele CA8841376.
Genomic context (GRCh38, chr17:81,706,954, plus strand): 5'-CTGCTCCCTAAGGCGGTGGAAGAAGATATCCCCATAGCGAAAGAACGGACACATTTCACC[G>A]TCCGCCTGACCGAGGCGAAGCCCGTGGACAAAGTGAAGCTGATCAAGGAAATCAAGAACT-3'
Protein context (NP_002940.2, residues 122-142): PIAKERTHFT[Val132Ile]RLTEAKPVDK